The following is an entry in ClinVar:

NM_170699.3(GPBAR1):c.157TTC[1] (p.Phe54del)

Gene: GPBAR1 (G protein-coupled bile acid receptor 1; plus strand). Cytogenetic location: 2q35.
Variant type: Microsatellite.
Coding change: c.157TTC[1] on transcript NM_170699.3 (MANE Select); one copy of the 3-base unit TTC starting at c.157; the reference has two copies in a row; one copy, 3 bases deleted.
Protein change: p.Phe54del; deletes phenylalanine 54.
Molecular consequence: inframe deletion.
Genome position (GRCh38, 1-based): chr2:218,262,884-218,262,886, TTC deleted; deleting any 3 consecutive bases within chr2:218,262,880-218,262,886 gives the same sequence; the position shown is the placement nearest the transcript's 3' end. VCF-style (leftmost placement, unchanged base first): chr2-218262879-GCTT-G. GRCh37 (hg19) VCF-style: chr2-219127602-GCTT-G.
Other names: c.157TTC[1], p.Phe54del (NM_001077191.2, NM_001077194.2, NM_001321950.2); c.160_162delTTC (NM_001321950.1); short protein forms F54del.
Identifiers: ClinVar variation 500565 (VCV000500565.7), dbSNP rs767819043, ClinGen allele CA2102524.
Genomic context (GRCh38, chr2:218,262,879, plus strand): 5'-ACCTGCTCCTAGCCCTGGGCATCGCCTGGGACCGCCGCCTGCGCAGCCCACCTGCTGGCT[GCTT>G]CTTCCTGAGCCTACTGCTGGCTGGGCTGCTCACGGGTCTGGCATTGCCCACATTGCCAGG-3'

ClinVar aggregate classification (germline): Likely benign. Review status: criteria provided, single submitter (1 of 4 stars). 2 submissions from 2 submitters: Likely benign (1). 1 of the submissions does not count toward it. Last evaluated 2017-02-23.

Conditions:
GPBAR1-related disorder. Also called: GPBAR1-related condition.

Submissions (2):

Eurofins Ntd Llc (ga)
Classification: Likely benign. Last evaluated: 2017-02-23. Review status: criteria provided, single submitter. Criteria: EGL Classification Definitions 2015. Collection method: clinical testing. Allele origin: germline. Observed: 1 variant allele, 1 heterozygote.

PreventionGenetics, part of Exact Sciences
Classification: Benign for GPBAR1-related condition. Last evaluated: 2019-09-19. Review status: no assertion criteria provided. Collection method: clinical testing. Allele origin: germline. Not counted in ClinVar's aggregate classification.
Comment: This variant is classified as benign based on ACMG/AMP sequence variant interpretation guidelines (Richards et al. 2015 PMID: 25741868, with internal and published modifications).